The following is an entry in ClinVar:

NM_012471.3(TRPC5):c.1680A>G (p.Lys560=)

Gene: TRPC5 (transient receptor potential cation channel subfamily C member 5; minus strand). Cytogenetic location: Xq23.
Variant type: single nucleotide variant.
Coding change: c.1680A>G on transcript NM_012471.3 (MANE Select); coding-DNA position 1680, A replaced by G.
Protein change: p.Lys560=; no amino-acid change (lysine 560 retained).
Molecular consequence: synonymous variant.
Genome position (GRCh38, 1-based): chrX:111,847,134, T>C on the plus strand (A>G on the coding strand, the complement: TRPC5 is on the minus strand). VCF-style: chrX-111847134-T-C. GRCh37 (hg19) VCF-style: chrX-111090362-T-C.
Identifiers: ClinVar variation 4986651 (VCV004986651.1).
Genomic context (GRCh38, chrX:111,847,134, plus strand): 5'-AAAAAAAAATAAATAAATAAAGGAAAGGGGATCGTCTTACGTGGAGAAGGCATTGTTCTG[T>C]TTCTCACATCGGATCCCCTTGCAGTTGTTAGGCTCATCGATAGCTCTGGTTTCATAATAG-3'
Protein context (NP_036603.1, residues 550-570): PNNCKGIRCE[Lys560=]QNNAFSTLFE

ClinVar aggregate classification (germline): Likely benign (1 of 4 stars; one submission).

Conditions:
TRPC5-related disorder. Also called: TRPC5-related condition.

gnomAD v4.1: 32 of 1,208,965 alleles (0.0026%); highest among the groups gnomAD compares: Middle Eastern, 0.069%; no homozygotes.

Submission:

PreventionGenetics, part of Exact Sciences
Classification: Likely benign for TRPC5-related condition. Last evaluated: 2025-03-03. Review status: criteria provided, single submitter. Criteria: ACMG Guidelines, 2015. Collection method: clinical testing. Allele origin: germline.
Comment: This variant is classified as likely benign based on ACMG/AMP sequence variant interpretation guidelines (Richards et al. 2015 PMID: 25741868, with internal and published modifications).